The following is an entry in ClinVar:

NM_000388.4(CASR):c.1391T>G (p.Leu464Arg)

Gene: CASR (calcium sensing receptor; plus strand). Cytogenetic location: 3q21.1.
Variant type: single nucleotide variant.
Coding change: c.1391T>G on transcript NM_000388.4 (MANE Select); coding-DNA position 1391, T replaced by G.
Protein change: p.Leu464Arg; replaces leucine 464 with arginine.
Molecular consequence: missense variant.
Genome position (GRCh38, 1-based): chr3:122,275,825, T>G. VCF-style: chr3-122275825-T-G. GRCh37 (hg19) VCF-style: chr3-121994672-T-G.
Other names: c.1391T>G, p.Leu464Arg (NM_001178065.2); short protein forms L464R.
Identifiers: ClinVar variation 1721545 (VCV001721545.6), dbSNP rs2107643378, ClinGen allele CA354154824.
Genomic context (GRCh38, chr3:122,275,825, plus strand): 5'-CTATGTGGCAGCCCTGGGGCTTGTACTCATTCTTTGCTCCTCTTTAGGTCCTGAAGCACC[T>G]ACGGCATCTAAACTTTACAAACAATATGGGGGAGCAGGTGACCTTTGATGAGTGTGGTGA-3'
Protein context (NP_000379.3, residues 454-474): KVEAWQVLKH[Leu464Arg]RHLNFTNNMG

ClinVar aggregate classification (germline): Uncertain significance (1 of 4 stars; one submission).

Conditions:
Autosomal dominant hypocalcemia 1 (HYPOC1). Also called: HYPOCALCEMIA, FAMILIAL. Identifiers: MedGen C3715128, MONDO:0011013, OMIM 601198.
Familial hypocalciuric hypercalcemia (FHH). Also called: Familial benign hypercalcemia. Identifiers: Orphanet 405, MedGen C1809471, MONDO:0018458.

Submission:

Labcorp Genetics (formerly Invitae), Labcorp
Classification: Uncertain significance for Familial hypocalciuric hypercalcemia; Autosomal dominant hypocalcemia 1. Last evaluated: 2025-07-18. Review status: criteria provided, single submitter. Criteria: Invitae Variant Classification Sherloc (09022015). Collection method: clinical testing. Allele origin: germline.
Comment: This sequence change replaces leucine, which is neutral and non-polar, with arginine, which is basic and polar, at codon 464 of the CASR protein (p.Leu464Arg). This variant is not present in population databases (gnomAD no frequency). This variant has not been reported in the literature in individuals affected with CASR-related conditions. ClinVar contains an entry for this variant (Variation ID: 1721545). An algorithm developed to predict the effect of missense changes on protein structure and function (PolyPhen-2) suggests that this variant is likely to be disruptive. In summary, the available evidence is currently insufficient to determine the role of this variant in disease. Therefore, it has been classified as a Variant of Uncertain Significance.